The following is an entry in ClinVar:

ClinVar aggregate classification (germline): Uncertain significance. Review status: reviewed by expert panel (3 of 4 stars). 2 submissions from 2 submitters: Uncertain significance (1). 1 of the submissions does not count toward it. Last evaluated 2024-09-16.

Conditions:
Hereditary thrombocytopenia and hematologic cancer predisposition syndrome. Identifiers: Orphanet 71290, MedGen CN281654, MONDO:0011071.
Hereditary thrombocytopenia and hematological cancer predisposition syndrome associated with RUNX1. Also called: Familial Platelet Disorder with Propensity to Acute Myelogenous Leukemia; Familial thrombocytopenia with propensity to acute myelogenous leukemia; PLATELET DISORDER, ASPIRIN-LIKE; RUNX1 Familial Platelet Disorder with Associated Myeloid Malignancies. Identifiers: Orphanet 71290, MedGen C1832388, MeSH C563324, MONDO:0100083, OMIM 601399.

Submissions (2):

ClinGen Myeloid Malignancy Variant Curation Expert Panel
Classification: Uncertain significance for Hereditary thrombocytopenia and hematologic cancer predisposition syndrome. Last evaluated: 2024-09-16. Review status: reviewed by expert panel. Criteria: ClinGen MyeloMalig ACMG Specifications v2. Collection method: curation. Allele origin: germline. Inheritance: Autosomal dominant inheritance.
Comment: NM_001754.5(RUNX1):c.1162_1163delinsAA (p.Ser388Lys) is a deletion and insertion which results in a change of Serine 388 to a Lysine. This residue is not part of any established functional domain. This variant is completely absent from all population databases with at least 20x coverage for RUNX1 (PM2_Supporting). In summary, the clinical significance of this variant is uncertain. ACMG/AMP criteria applied, as specified by the Myeloid Malignancy Variant Curation Expert Panel for RUNX1: PM2_supporting.

Labcorp Genetics (formerly Invitae), Labcorp
Classification: Uncertain significance for Hereditary thrombocytopenia and hematological cancer predisposition syndrome associated with RUNX1. Last evaluated: 2023-10-04. Review status: criteria provided, single submitter. Criteria: Invitae Variant Classification Sherloc (09022015). Collection method: clinical testing. Allele origin: germline. Not counted in ClinVar's aggregate classification.
Comment: This sequence change replaces serine, which is neutral and polar, with lysine, which is basic and polar, at codon 388 of the RUNX1 protein (p.Ser388Lys). Information on the frequency of this variant in the gnomAD database is not available, as this variant may be reported differently in the database. This variant has not been reported in the literature in individuals affected with RUNX1-related conditions. An algorithm developed to predict the effect of missense changes on protein structure and function (PolyPhen-2) suggests that this variant is likely to be tolerated. In summary, the available evidence is currently insufficient to determine the role of this variant in disease. Therefore, it has been classified as a Variant of Uncertain Significance.

NM_001754.5(RUNX1):c.1162_1163delinsAA (p.Ser388Lys)

Gene: RUNX1 (RUNX family transcription factor 1; minus strand). Cytogenetic location: 21q22.12.
Variant type: Indel.
Coding change: c.1162_1163delinsAA on transcript NM_001754.5 (MANE Select); coding-DNA positions 1162 to 1163, TC replaced by AA.
Protein change: p.Ser388Lys; replaces serine 388 with lysine.
Molecular consequence: missense variant.
Genome position (GRCh38, 1-based): chr21:34,792,415-34,792,416, GA replaced by TT on the plus strand (TC replaced by AA on the coding strand, the reverse complement: RUNX1 is on the minus strand). VCF-style: chr21-34792415-GA-TT. GRCh37 (hg19) VCF-style: chr21-36164712-GA-TT.
Other names: NM_001754.5(RUNX1):c.1162_1163delinsAA; p.Ser388Lys; c.1081_1082delinsAA, p.Ser361Lys (NM_001001890.3); short protein forms S388K, S361K.
Identifiers: ClinVar variation 2764958 (VCV002764958.4), dbSNP rs2516820818, ClinGen allele CA2697547491.
Genomic context (GRCh38, chr21:34,792,415, plus strand): 5'-CCGTAGTACAGGTGGTAGGAGGGCGAGCTGGCTTGGAACGGGCCTCCCTGCGCTTGCGAC[GA>TT]GCCGGGGTAGGGCGGCGGCAGGTAGGTGTGGTAGCGCGTGGCCGAGCCCATGGCCGACAT-3'
Protein context (NP_001745.2, residues 378-398): HTYLPPPYPG[Ser388Lys]SQAQGGPFQA